The following is an entry in ClinVar:

NM_001005242.3(PKP2):c.786G>T (p.Leu262=)

Gene: PKP2 (plakophilin 2; minus strand). Cytogenetic location: 12p11.21.
Variant type: single nucleotide variant.
Coding change: c.786G>T on transcript NM_001005242.3 (MANE Select); coding-DNA position 786, G replaced by T.
Protein change: p.Leu262=; no amino-acid change (leucine 262 retained).
Molecular consequence: synonymous variant.
Genome position (GRCh38, 1-based): chr12:32,878,094, C>A on the plus strand (G>T on the coding strand, the complement: PKP2 is on the minus strand). VCF-style: chr12-32878094-C-A. GRCh37 (hg19) VCF-style: chr12-33031028-C-A.
Other names: c.786G>T, p.Leu262= (NM_001407155.1, NM_001407156.1, NM_001407157.1 and 2 more transcripts); c.459G>T, p.Leu153= (NM_001407158.1, NM_001407159.1, NM_001407160.1 and 1 more transcripts).
Identifiers: ClinVar variation 2828449 (VCV002828449.4), dbSNP rs2541339729, ClinGen allele CA479387476.
Genomic context (GRCh38, chr12:32,878,094, plus strand): 5'-CTGAGTGACGGGCTGCAGGGGCACCAGCGGCCTGACCTGCCCGACAGTGAGCCCTGCCGT[C>A]AGGTAGTTCTCCTTCTCCAAGAGGTTGCCCATGCTGCGGCTGGTCCCTGGCCTGGGGTAC-3'
Protein context (NP_001005242.2, residues 252-272): MGNLLEKENY[Leu262=]TAGLTVGQVR

ClinVar aggregate classification (germline): Likely benign. Review status: criteria provided, multiple submitters, no conflicts (2 of 4 stars). 2 submissions from 2 submitters: Likely benign (2). Last evaluated 2023-03-23.

Conditions:
Arrhythmogenic right ventricular dysplasia 9 (ARVD9). Also called: ARRHYTHMOGENIC RIGHT VENTRICULAR DYSPLASIA, FAMILIAL, 9; Arrhythmogenic Right Ventricular Dysplasia/Cardiomyopathy 9. Identifiers: MedGen C1836906, MONDO:0012180, OMIM 609040.
Arrhythmogenic right ventricular cardiomyopathy (ARVD). Also called: Arrhythmogenic right ventricular dysplasia; Cardiomyopathy, ARVC; Arrhythmogenic cardiomyopathy; Arrhythmogenic Right Ventricular Cardiomyopathy (ARVC). Identifiers: Orphanet 247, MedGen C0349788, MeSH D019571, MONDO:0016587. Disease mechanism: loss of function. Inheritance: Various modes of inheritance.

Submissions (2):

All of Us Research Program, National Institutes of Health
Classification: Likely benign for Arrhythmogenic right ventricular cardiomyopathy. Last evaluated: 2023-03-23. Review status: criteria provided, single submitter. Criteria: ACMG Guidelines, 2015. Collection method: clinical testing. Allele origin: germline. Inheritance: Autosomal dominant inheritance. Observed: 1 variant allele, 1 heterozygote.
Comment: This study involves interpretation of variants in research participants for the purpose of population health screening. Participant phenotype was not available at the time of variant classification. Additional details can be found in publication PMID: 35346344, PMCID: PMC8962531

Labcorp Genetics (formerly Invitae), Labcorp
Classification: Likely benign for Arrhythmogenic right ventricular dysplasia 9. Last evaluated: 2023-01-14. Review status: criteria provided, single submitter. Criteria: Invitae Variant Classification Sherloc (09022015). Collection method: clinical testing. Allele origin: germline.